The following is an entry in ClinVar:

NM_001080.3(ALDH5A1):c.1294A>C (p.Met432Leu)

Gene: ALDH5A1 (aldehyde dehydrogenase 5 family member A1; plus strand). Cytogenetic location: 6p22.3.
Variant type: single nucleotide variant.
Coding change: c.1294A>C on transcript NM_001080.3 (MANE Select); coding-DNA position 1294, A replaced by C.
Protein change: p.Met432Leu; replaces methionine 432 with leucine.
Molecular consequence: missense variant.
Genome position (GRCh38, 1-based): chr6:24,528,117, A>C. VCF-style: chr6-24528117-A-C. GRCh37 (hg19) VCF-style: chr6-24528345-A-C.
Other names: c.1150A>C, p.Met384Leu (NM_001368954.1); c.1333A>C, p.Met445Leu (NM_170740.1); short protein forms M432L, M384L, M445L.
Identifiers: ClinVar variation 1878483 (VCV001878483.4), dbSNP rs1561879315, ClinGen allele CA362978728.

ClinVar aggregate classification (germline): Pathogenic (1 of 4 stars; one submission).

Conditions:
Succinate-semialdehyde dehydrogenase deficiency (SSADHD). Also called: Succinic Semialdehyde Dehydrogenase Deficiency; SSADH DEFICIENCY; 4-HYDROXYBUTYRIC ACIDURIA; GABA METABOLIC DEFECT. Identifiers: Orphanet 22, MedGen C0268631, MONDO:0010083, OMIM 271980.

gnomAD v4.1: 4 of 1,614,124 alleles (0.00025%); highest among the groups gnomAD compares: East Asian, 0.0089%; no homozygotes.

Submission:

Elsea Laboratory, Baylor College of Medicine
Classification: Pathogenic for Succinate-semialdehyde dehydrogenase deficiency. Last evaluated: 2021-03-08. Review status: criteria provided, single submitter. Criteria: Martin et al. (J Child Neurol. 2021). Collection method: curation. Allele origin: germline. Affected: yes.
Comment: catalytic domain

Literature cited by the submitters: PubMed 21612881; PubMed 26220405; PubMed 31117962; PubMed 33203024.